The following is an entry in ClinVar:

NM_001370259.2(MEN1):c.-4C>T

Gene: MEN1 (menin 1; minus strand). Cytogenetic location: 11q13.1.
Variant type: single nucleotide variant.
Coding change: c.-4C>T on transcript NM_001370259.2 (MANE Select); 4 bases upstream of the start codon, C replaced by T.
Molecular consequence: 5 prime UTR variant.
Genome position (GRCh38, 1-based): chr11:64,810,113, G>A on the plus strand (C>T on the coding strand, the complement: MEN1 is on the minus strand). VCF-style: chr11-64810113-G-A. GRCh37 (hg19) VCF-style: chr11-64577585-G-A.
Other names: c.-4C>T (NM_000244.4, NM_001370251.2, NM_001370260.2 and 20 more transcripts).
Identifiers: ClinVar variation 1744695 (VCV001744695.2), dbSNP rs1942030368, ClinGen allele CA2574866560.

ClinVar aggregate classification (germline): Uncertain significance (1 of 4 stars; one submission).

Conditions:
Hereditary cancer-predisposing syndrome. Also called: Hereditary Cancer Syndrome; Neoplastic Syndromes, Hereditary; Tumor predisposition; Hereditary neoplastic syndrome. Identifiers: Orphanet 140162, MedGen C0027672, MeSH D009386, MONDO:0015356.

Submission:

Ambry Genetics
Classification: Uncertain significance for Hereditary cancer-predisposing syndrome. Last evaluated: 2020-01-07. Review status: criteria provided, single submitter. Criteria: Ambry Variant Classification Scheme 2023. Collection method: clinical testing. Allele origin: germline.
Comment: The c.-4C>T variant is located in the 5' untranslated region (5&rsquo; UTR) of the MEN1 gene. This variant results from a C to T substitution 4 bases upstream from the first translated codon. This nucleotide position is highly conserved in available vertebrate species. Since supporting evidence is limited at this time, the clinical significance of this alteration remains unclear.